The following is an entry in ClinVar:

ClinVar aggregate classification (germline): Uncertain significance (1 of 4 stars; one submission).

Conditions:
Cohen syndrome (COH1). Also called: Cutis verticis gyrata, retinitis pigmentosa, and sensorineural deafness; PEPPER SYNDROME. Identifiers: Orphanet 193, MedGen C0265223, MONDO:0008999, OMIM 216550.

Allele frequency attached by ClinVar (database versions not stated): gnomAD exomes below 0.00001.
gnomAD v4.1: 1 of 1,613,890 alleles (0.000062%); highest among the groups gnomAD compares: Non-Finnish European, 0.000085%; no homozygotes.

Submission:

Labcorp Genetics (formerly Invitae), Labcorp
Classification: Uncertain significance for Cohen syndrome. Last evaluated: 2022-08-16. Review status: criteria provided, single submitter. Criteria: Invitae Variant Classification Sherloc (09022015). Collection method: clinical testing. Allele origin: germline.
Comment: In summary, the available evidence is currently insufficient to determine the role of this variant in disease. Therefore, it has been classified as a Variant of Uncertain Significance. Algorithms developed to predict the effect of sequence changes on RNA splicing suggest that this variant may disrupt the consensus splice site. Algorithms developed to predict the effect of missense changes on protein structure and function are either unavailable or do not agree on the potential impact of this missense change (SIFT: "Not Available"; PolyPhen-2: "Benign"; Align-GVGD: "Not Available"). This variant has not been reported in the literature in individuals affected with VPS13B-related conditions. This variant is not present in population databases (gnomAD no frequency). This sequence change replaces valine, which is neutral and non-polar, with leucine, which is neutral and non-polar, at codon 2813 of the VPS13B protein (p.Val2813Leu).

NM_152564.5(VPS13B):c.8362G>T (p.Val2788Leu)

Gene: VPS13B (vacuolar protein sorting 13 homolog B; plus strand). Cytogenetic location: 8q22.2.
Variant type: single nucleotide variant.
Coding change: c.8362G>T on transcript NM_152564.5 (MANE Select); coding-DNA position 8362, G replaced by T.
Protein change: p.Val2788Leu; replaces valine 2788 with leucine.
Molecular consequence: missense variant.
Genome position (GRCh38, 1-based): chr8:99,818,451, G>T. VCF-style: chr8-99818451-G-T. GRCh37 (hg19) VCF-style: chr8-100830679-G-T.
Other names: c.8437G>T, p.Val2813Leu (NM_017890.5); short protein forms V2788L, V2813L.
Identifiers: ClinVar variation 2089767 (VCV002089767.4), dbSNP rs2492008987, ClinGen allele CA371773545.